The following is an entry in ClinVar:

ClinVar aggregate classification (germline): Uncertain significance (1 of 4 stars; one submission).

Allele frequency attached by ClinVar (database versions not stated): gnomAD 0.00001; TOPMed 0.00001; ExAC 0.00002.
gnomAD v4.1: 20 of 1,609,634 alleles (0.0012%); highest among the groups gnomAD compares: South Asian, 0.0033%; no homozygotes.

Submission:

Labcorp Genetics (formerly Invitae), Labcorp
Classification: Uncertain significance. Last evaluated: 2022-06-09. Review status: criteria provided, single submitter. Criteria: Invitae Variant Classification Sherloc (09022015). Collection method: clinical testing. Allele origin: germline.
Comment: Algorithms developed to predict the effect of missense changes on protein structure and function are either unavailable or do not agree on the potential impact of this missense change (SIFT: "Deleterious"; PolyPhen-2: "Benign"; Align-GVGD: "Class C35"). This variant has not been reported in the literature in individuals affected with CHMP1A-related conditions. The frequency data for this variant in the population databases is considered unreliable, as metrics indicate poor data quality at this position in the gnomAD database. This sequence change replaces serine, which is neutral and polar, with leucine, which is neutral and non-polar, at codon 135 of the CHMP1A protein (p.Ser135Leu). In summary, the available evidence is currently insufficient to determine the role of this variant in disease. Therefore, it has been classified as a Variant of Uncertain Significance.

NM_002768.5(CHMP1A):c.404C>T (p.Ser135Leu)

Gene: CHMP1A (charged multivesicular body protein 1A; minus strand). Cytogenetic location: 16q24.3.
Variant type: single nucleotide variant.
Coding change: c.404C>T on transcript NM_002768.5 (MANE Select); coding-DNA position 404, C replaced by T.
Protein change: p.Ser135Leu; replaces serine 135 with leucine.
Molecular consequence: missense variant. On other transcripts: synonymous variant (1), non-coding transcript variant (1).
Genome position (GRCh38, 1-based): chr16:89,646,692, G>A on the plus strand (C>T on the coding strand, the complement: CHMP1A is on the minus strand). VCF-style: chr16-89646692-G-A. GRCh37 (hg19) VCF-style: chr16-89713100-G-A.
Other names: c.384C>T, p.Leu128= (NM_001083314.4); short protein forms S135L.
Identifiers: ClinVar variation 2200740 (VCV002200740.4), dbSNP rs776834821, ClinGen allele CA8246981.